The following is an entry in ClinVar:

ClinVar aggregate classification (germline): Likely benign (0 of 4 stars; one submission).

Conditions:
PCK1-related disorder. Also called: PCK1-related condition.

Submission:

PreventionGenetics, part of Exact Sciences
Classification: Likely benign for PCK1-related condition. Last evaluated: 2022-12-16. Review status: no assertion criteria provided. Collection method: clinical testing. Allele origin: germline.
Comment: This variant is classified as likely benign based on ACMG/AMP sequence variant interpretation guidelines (Richards et al. 2015 PMID: 25741868, with internal and published modifications).

NM_002591.4(PCK1):c.224+10G>T

Gene: PCK1 (phosphoenolpyruvate carboxykinase 1; plus strand). Cytogenetic location: 20q13.31.
Variant type: single nucleotide variant.
Coding change: c.224+10G>T on transcript NM_002591.4 (MANE Select); 10 bases into the intron after coding-DNA position 224, G replaced by T.
Molecular consequence: intron variant.
Genome position (GRCh38, 1-based): chr20:57,561,645, G>T. VCF-style: chr20-57561645-G-T. GRCh37 (hg19) VCF-style: chr20-56136701-G-T.
Identifiers: ClinVar variation 3048517 (VCV003048517.2), dbSNP rs2515806246, ClinGen allele CA2740094599.
Genomic context (GRCh38, chr20:57,561,645, plus strand): 5'-CCAGATGGAGGAAGAGGGCATCCTCAGGCGGCTGAAGAAGTATGACAACTGGTAAGCTCG[G>T]CCCCCGCTGCCTGTCCCAGCACCCTGCAGGCAGGGCTCCCCTGCGTCTCCTGGGAGTTGG-3'